The following is an entry in ClinVar:

ClinVar aggregate classification (germline): Uncertain significance. Review status: criteria provided, multiple submitters, no conflicts (2 of 4 stars). 3 submissions from 3 submitters: Uncertain significance (3). Last evaluated 2023-11-11.

Conditions:
Mitochondrial complex II deficiency, nuclear type 1. Also called: SUCCINATE CoQ REDUCTASE DEFICIENCY. Identifiers: Orphanet 3208, MedGen C5700310, MONDO:0100294, OMIM 252011.
Pheochromocytoma/paraganglioma syndrome 5. Also called: Paragangliomas 5; SDHA-Related Hereditary Paraganglioma-Pheochromocytoma Syndrome. Identifiers: Orphanet 29072, MedGen C3279992, MONDO:0013602, OMIM 614165.
Hereditary cancer-predisposing syndrome. Also called: Tumor predisposition; Hereditary neoplastic syndrome; Neoplastic Syndromes, Hereditary; Hereditary Cancer Syndrome. Identifiers: Orphanet 140162, MedGen C0027672, MeSH D009386, MONDO:0015356.

Allele frequency attached by ClinVar (database versions not stated): gnomAD 0.00001; gnomAD exomes 0.00001; ExAC 0.00002; TOPMed 0.00002; ESP Exome Variant Server 0.00008.
gnomAD v4.1: 1 of 1,613,270 alleles (0.000062%); highest among the groups gnomAD compares: African/African-American, 0.0013%; no homozygotes.

Submissions (3):

Labcorp Genetics (formerly Invitae), Labcorp
Classification: Uncertain significance for Pheochromocytoma/paraganglioma syndrome 5; Mitochondrial complex II deficiency, nuclear type 1. Last evaluated: 2023-11-11. Review status: criteria provided, single submitter. Criteria: Invitae Variant Classification Sherloc (09022015). Collection method: clinical testing. Allele origin: germline.
Comment: This sequence change replaces threonine, which is neutral and polar, with isoleucine, which is neutral and non-polar, at codon 163 of the SDHA protein (p.Thr163Ile). This variant is present in population databases (rs375067326, gnomAD 0.01%). This variant has not been reported in the literature in individuals affected with SDHA-related conditions. ClinVar contains an entry for this variant (Variation ID: 1026014). Advanced modeling of protein sequence and biophysical properties (such as structural, functional, and spatial information, amino acid conservation, physicochemical variation, residue mobility, and thermodynamic stability) has been performed at Invitae for this missense variant, however the output from this modeling did not meet the statistical confidence thresholds required to predict the impact of this variant on SDHA protein function. In summary, the available evidence is currently insufficient to determine the role of this variant in disease. Therefore, it has been classified as a Variant of Uncertain Significance.

3billion
Classification: Uncertain significance for Mitochondrial complex II deficiency, nuclear type 1. Last evaluated: 2023-02-23. Review status: criteria provided, single submitter. Criteria: ACMG Guidelines, 2015. Collection method: clinical testing. Allele origin: unknown. Affected: yes.
Comment: The variant is observed at an extremely low frequency in the gnomAD v2.1.1 dataset (total allele frequency: <0.001%). However, protein truncation variants are a common disease-causing mechanism. In silico tool predictions suggest damaging effect of the variant on gene or gene product (REVEL: 0.71; 3Cnet: 0.48). Therefore, this variant is classified as VUS according to the recommendation of ACMG/AMP guideline.

Ambry Genetics
Classification: Uncertain significance for Hereditary cancer-predisposing syndrome. Last evaluated: 2022-03-26. Review status: criteria provided, single submitter. Criteria: Ambry Variant Classification Scheme 2023. Collection method: clinical testing. Allele origin: germline.
Comment: The p.T163I variant (also known as c.488C>T), located in coding exon 5 of the SDHA gene, results from a C to T substitution at nucleotide position 488. The threonine at codon 163 is replaced by isoleucine, an amino acid with similar properties. This amino acid position is conserved. In addition, the in silico prediction for this alteration is inconclusive. Since supporting evidence is limited at this time, the clinical significance of this alteration remains unclear.

NM_004168.4(SDHA):c.488C>T (p.Thr163Ile)

Gene: SDHA (succinate dehydrogenase complex flavoprotein subunit A; plus strand). Cytogenetic location: 5p15.33.
Variant type: single nucleotide variant.
Coding change: c.488C>T on transcript NM_004168.4 (MANE Select); coding-DNA position 488, C replaced by T.
Protein change: p.Thr163Ile; replaces threonine 163 with isoleucine.
Molecular consequence: missense variant.
Genome position (GRCh38, 1-based): chr5:225,914, C>T. VCF-style: chr5-225914-C-T. GRCh37 (hg19) VCF-style: chr5-226029-C-T.
Other names: c.344C>T, p.Thr115Ile (NM_001294332.2); c.488C>T, p.Thr163Ile (NM_001330758.2); short protein forms T115I, T163I.
Identifiers: ClinVar variation 1026014 (VCV001026014.9), dbSNP rs375067326, ClinGen allele CA3172861.
Genomic context (GRCh38, chr5:225,914, plus strand): 5'-AGGTTTTTGTTTGTTTTTATCTTTCACAGCTAGAAAATTATGGCATGCCGTTTAGCAGAA[C>T]TGAAGATGGGAAGATTTATCAGCGTGCATTTGGTGGACAGAGCCTCAAGTTTGGAAAGGG-3'
Protein context (NP_004159.2, residues 153-173): LENYGMPFSR[Thr163Ile]EDGKIYQRAF